The following is an entry in ClinVar:

NM_004304.5(ALK):c.2041+6G>A

Gene: ALK (ALK receptor tyrosine kinase; minus strand). Cytogenetic location: 2p23.2.
Variant type: single nucleotide variant.
Coding change: c.2041+6G>A on transcript NM_004304.5 (MANE Select); 6 bases into the intron after coding-DNA position 2041, G replaced by A.
Molecular consequence: intron variant.
Genome position (GRCh38, 1-based): chr2:29,275,093, C>T on the plus strand (G>A on the coding strand, the complement: ALK is on the minus strand). VCF-style: chr2-29275093-C-T. GRCh37 (hg19) VCF-style: chr2-29497959-C-T.
Identifiers: ClinVar variation 2767091 (VCV002767091.3), dbSNP rs535441820, ClinGen allele CA2697547934.
Genomic context (GRCh38, chr2:29,275,093, plus strand): 5'-CCAATCTTTCTTCTGCCTTTTGCAACAAGAAGTTACTGTGCTCACATTTGTGAGCTGAAC[C>T]CTTACCTGTAGGGTCAAAGATGGGGGTCTGTCTTGGTGAATTTTCCCCGGGTTTCAGCTC-3'

ClinVar aggregate classification (germline): Uncertain significance (1 of 4 stars; one submission).

Conditions:
Neuroblastoma, susceptibility to, 3. Also called: ALK-Related Neuroblastic Tumor Susceptibility. Identifiers: Orphanet 635, MedGen C2751681, MONDO:0013083, OMIM 613014.

Submission:

Labcorp Genetics (formerly Invitae), Labcorp
Classification: Uncertain significance for Neuroblastoma, susceptibility to, 3. Last evaluated: 2023-10-09. Review status: criteria provided, single submitter. Criteria: Invitae Variant Classification Sherloc (09022015). Collection method: clinical testing. Allele origin: germline.
Comment: This sequence change falls in intron 11 of the ALK gene. It does not directly change the encoded amino acid sequence of the ALK protein. It affects a nucleotide within the consensus splice site. This variant is not present in population databases (gnomAD no frequency). This variant has not been reported in the literature in individuals affected with ALK-related conditions. Variants that disrupt the consensus splice site are a relatively common cause of aberrant splicing (PMID: 17576681, 9536098). Algorithms developed to predict the effect of sequence changes on RNA splicing suggest that this variant is not likely to affect RNA splicing. In summary, the available evidence is currently insufficient to determine the role of this variant in disease. Therefore, it has been classified as a Variant of Uncertain Significance.

Literature cited by the submitters: PubMed 17576681; PubMed 9536098.